The following is an entry in ClinVar:

NM_000290.4(PGAM2):c.161T>C (p.Ile54Thr)

Genes: DBNL (drebrin like; plus strand), PGAM2 (phosphoglycerate mutase 2; minus strand). Cytogenetic location: 7p13.
Variant type: single nucleotide variant.
Coding change: c.161T>C on transcript NM_000290.4 (MANE Select); coding-DNA position 161, T replaced by C.
Protein change: p.Ile54Thr; replaces isoleucine 54 with threonine.
Molecular consequence: missense variant. On other transcripts: 3 prime UTR variant (6).
Genome position (GRCh38, 1-based): chr7:44,065,369, A>G on the plus strand (T>C on the coding strand, the complement: PGAM2 is on the minus strand). VCF-style: chr7-44065369-A-G. GRCh37 (hg19) VCF-style: chr7-44104968-A-G.
Other names: c.*4453A>G (NM_001014436.3, NM_001122956.2, NM_001284313.2 and 3 more transcripts); short protein forms I54T.
Identifiers: ClinVar variation 1984572 (VCV001984572.4), dbSNP rs2096157837, ClinGen allele CA367370002.

ClinVar aggregate classification (germline): Uncertain significance (1 of 4 stars; one submission).

Conditions:
Glycogen storage disease type X (GSD10). Also called: MYOPATHY DUE TO PHOSPHOGLYCERATE MUTASE DEFICIENCY; PGAMM DEFICIENCY; PHOSPHOGLYCERATE MUTASE, MUSCLE, DEFICIENCY OF; Dimauro disease; Glycogen storage disease due to phosphoglycerate mutase deficiency; GSD X. Identifiers: Orphanet 97234, MedGen C0268149, MONDO:0009865, OMIM 261670.

Allele frequency attached by ClinVar (database versions not stated): gnomAD exomes below 0.00001; gnomAD 0.00001.
gnomAD v4.1: 5 of 1,613,878 alleles (0.00031%); highest among the groups gnomAD compares: South Asian, 0.0011%; no homozygotes.

Submission:

Labcorp Genetics (formerly Invitae), Labcorp
Classification: Uncertain significance for Glycogen storage disease type X. Last evaluated: 2022-06-17. Review status: criteria provided, single submitter. Criteria: Invitae Variant Classification Sherloc (09022015). Collection method: clinical testing. Allele origin: germline.
Comment: This variant is not present in population databases (gnomAD no frequency). This sequence change replaces isoleucine, which is neutral and non-polar, with threonine, which is neutral and polar, at codon 54 of the PGAM2 protein (p.Ile54Thr). In summary, the available evidence is currently insufficient to determine the role of this variant in disease. Therefore, it has been classified as a Variant of Uncertain Significance. Algorithms developed to predict the effect of missense changes on protein structure and function (SIFT, PolyPhen-2, Align-GVGD) all suggest that this variant is likely to be disruptive. This variant has not been reported in the literature in individuals affected with PGAM2-related conditions.